The following is an entry in ClinVar:

NM_005560.6(LAMA5):c.6229G>A (p.Glu2077Lys)

Gene: LAMA5 (laminin subunit alpha 5; minus strand). Cytogenetic location: 20q13.33.
Variant type: single nucleotide variant.
Coding change: c.6229G>A on transcript NM_005560.6 (MANE Select); coding-DNA position 6229, G replaced by A.
Protein change: p.Glu2077Lys; replaces glutamic acid 2077 with lysine.
Molecular consequence: missense variant.
Genome position (GRCh38, 1-based): chr20:62,322,386, C>T on the plus strand (G>A on the coding strand, the complement: LAMA5 is on the minus strand). VCF-style: chr20-62322386-C-T. GRCh37 (hg19) VCF-style: chr20-60897442-C-T.
Other names: short protein forms E2077K.
Identifiers: ClinVar variation 2421770 (VCV002421770.4), dbSNP rs778034259, ClinGen allele CA9941838.
Genomic context (GRCh38, chr20:62,322,386, plus strand): 5'-GTCCCATGGTCCCTGGTCGGCAGTGGCACTGTCCGCTCTGGGGGTGGCACTCGGAGCCCT[C>T]GGCGGCCGGTCCACAAGCACACGGGCGGCAGCCCCCGCAGCCATCGAAACCAAAATGTCC-3'
Protein context (NP_005551.3, residues 2067-2087): CRPCACGPAA[Glu2077Lys]GSECHPQSGQ

ClinVar aggregate classification (germline): Uncertain significance (1 of 4 stars; one submission).

Allele frequency attached by ClinVar (database versions not stated): gnomAD exomes 0.00001; TOPMed 0.00004; ExAC 0.00005; gnomAD 0.00005.
gnomAD v4.1: 27 of 1,591,124 alleles (0.0017%); highest among the groups gnomAD compares: South Asian, 0.0045%; no homozygotes.

Submission:

Labcorp Genetics (formerly Invitae), Labcorp
Classification: Uncertain significance. Last evaluated: 2022-04-30. Review status: criteria provided, single submitter. Criteria: Invitae Variant Classification Sherloc (09022015). Collection method: clinical testing. Allele origin: germline.
Comment: This sequence change replaces glutamic acid, which is acidic and polar, with lysine, which is basic and polar, at codon 2077 of the LAMA5 protein (p.Glu2077Lys). The frequency data for this variant in the population databases is considered unreliable, as metrics indicate poor data quality at this position in the gnomAD database. This variant has not been reported in the literature in individuals affected with LAMA5-related conditions. Algorithms developed to predict the effect of missense changes on protein structure and function output the following: SIFT: "Tolerated"; PolyPhen-2: "Benign"; Align-GVGD: "Class C0". The lysine amino acid residue is found in multiple mammalian species, which suggests that this missense change does not adversely affect protein function. In summary, the available evidence is currently insufficient to determine the role of this variant in disease. Therefore, it has been classified as a Variant of Uncertain Significance.